The following is an entry in ClinVar:

NM_006904.7(PRKDC):c.8131G>A (p.Glu2711Lys)

Gene: PRKDC (protein kinase, DNA-activated, catalytic subunit; minus strand). Cytogenetic location: 8q11.21.
Variant type: single nucleotide variant.
Coding change: c.8131G>A on transcript NM_006904.7 (MANE Select); coding-DNA position 8131, G replaced by A.
Protein change: p.Glu2711Lys; replaces glutamic acid 2711 with lysine.
Molecular consequence: missense variant.
Genome position (GRCh38, 1-based): chr8:47,834,217, C>T on the plus strand (G>A on the coding strand, the complement: PRKDC is on the minus strand). VCF-style: chr8-47834217-C-T. GRCh37 (hg19) VCF-style: chr8-48746778-C-T.
Other names: c.8131G>A, p.Glu2711Lys (NM_001081640.2); short protein forms E2711K.
Identifiers: ClinVar variation 1509812 (VCV001509812.3), dbSNP rs746188479, ClinGen allele CA4739936.

ClinVar aggregate classification (germline): Uncertain significance (1 of 4 stars; one submission).

Conditions:
Severe combined immunodeficiency due to DNA-PKcs deficiency. Also called: IMMUNODEFICIENCY 26 WITH NEUROLOGIC ABNORMALITIES; Immunodeficiency 26 with or without neurologic abnormalities. Identifiers: Orphanet 317425, MedGen C4014833, MONDO:0014423, OMIM 615966.

Allele frequency attached by ClinVar (database versions not stated): TOPMed below 0.00001; gnomAD 0.00001; gnomAD exomes 0.00001; ExAC 0.00002.

Submission:

Labcorp Genetics (formerly Invitae), Labcorp
Classification: Uncertain significance for Severe combined immunodeficiency due to DNA-PKcs deficiency. Last evaluated: 2021-10-16. Review status: criteria provided, single submitter. Criteria: Invitae Variant Classification Sherloc (09022015). Collection method: clinical testing. Allele origin: germline.
Comment: This sequence change replaces glutamic acid with lysine at codon 2711 of the PRKDC protein (p.Glu2711Lys). The glutamic acid residue is weakly conserved and there is a small physicochemical difference between glutamic acid and lysine. This variant is present in population databases (rs746188479, ExAC 0.01%). This variant has not been reported in the literature in individuals affected with PRKDC-related conditions. Experimental studies and prediction algorithms are not available or were not evaluated, and the functional significance of this variant is currently unknown. In summary, the available evidence is currently insufficient to determine the role of this variant in disease. Therefore, it has been classified as a Variant of Uncertain Significance.